The following is an entry in ClinVar:

ClinVar aggregate classification (germline): Uncertain significance. Review status: criteria provided, multiple submitters, no conflicts (2 of 4 stars). 5 submissions from 5 submitters: Uncertain significance (3). 2 of the submissions do not count toward it. Last evaluated 2024-07-27.

Conditions:
Mitochondrial neurogastrointestinal encephalomyopathy. Also called: Mitochondrial neurogastrointestinal encephalopathy syndrome; MNGIE syndrome; Thymidine phosphorylase deficiency. Identifiers: Orphanet 298, MedGen C0872218, MONDO:0017575.
Mitochondrial DNA depletion syndrome 1. Also called: Mitochondrial neurogastrointestinal encephalomyopathy syndrome; POLIP SYNDROME; POLYNEUROPATHY, OPHTHALMOPLEGIA, LEUKOENCEPHALOPATHY, AND INTESTINAL PSEUDOOBSTRUCTION; Mitochondrial DNA Depletion Syndrome, MNGIE Form; Mitochondrial Neurogastrointestinal Encephalopathy Disease; MITOCHONDRIAL NEUROGASTROINTESTINAL ENCEPHALOPATHY SYNDROME, TYMP-RELATED. Identifiers: Orphanet 298, MedGen C4551995, MONDO:0011283, OMIM 603041.

Allele frequency attached by ClinVar (database versions not stated): gnomAD 0.00028 and 0.00030; gnomAD exomes 0.00003; ExAC 0.00025; TOPMed 0.00033.
gnomAD v4.1: 76 of 1,538,562 alleles (0.0049%); highest among the groups gnomAD compares: African/African-American, 0.092%; no homozygotes.

Submissions (5):

Women's Health and Genetics/Laboratory Corporation of America, LabCorp
Classification: Uncertain significance. Last evaluated: 2024-07-27. Review status: criteria provided, single submitter. Criteria: LabCorp Variant Classification Summary - May 2015. Collection method: clinical testing. Allele origin: germline.

Labcorp Genetics (formerly Invitae), Labcorp
Classification: Uncertain significance. Last evaluated: 2022-05-24. Review status: criteria provided, single submitter. Criteria: Invitae Variant Classification Sherloc (09022015). Collection method: clinical testing. Allele origin: germline.
Comment: This sequence change falls in intron 8 of the TYMP gene. It does not directly change the encoded amino acid sequence of the TYMP protein. It affects a nucleotide within the consensus splice site. This variant is present in population databases (rs748559929, gnomAD 0.09%). This variant has not been reported in the literature in individuals affected with TYMP-related conditions. ClinVar contains an entry for this variant (Variation ID: 215344). Variants that disrupt the consensus splice site are a relatively common cause of aberrant splicing (PMID: 17576681, 9536098). Algorithms developed to predict the effect of sequence changes on RNA splicing suggest that this variant may disrupt the consensus splice site. In summary, the available evidence is currently insufficient to determine the role of this variant in disease. Therefore, it has been classified as a Variant of Uncertain Significance.

GeneDx
Classification: Uncertain significance. Last evaluated: 2020-06-24. Review status: criteria provided, single submitter. Criteria: GeneDx Variant Classification Process June 2021. Collection method: clinical testing. Allele origin: germline. Affected: yes.
Comment: In silico analysis supports a deleterious effect on splicing; Has not been previously published as pathogenic or benign to our knowledge

Natera, Inc.
Classification: Uncertain significance for Mitochondrial neurogastrointestinal encephalomyopathy. Last evaluated: 2020-02-21. Review status: no assertion criteria provided. Collection method: clinical testing. Allele origin: germline. Not counted in ClinVar's aggregate classification.

Counsyl
Classification: Uncertain significance for Mitochondrial DNA depletion syndrome 1. Last evaluated: 2018-01-18. Review status: no assertion criteria provided. Collection method: clinical testing. Allele origin: unknown. Not counted in ClinVar's aggregate classification.

Literature cited by the submitters: PubMed 17576681 (cited by Labcorp Genetics (formerly Invitae), Labcorp); PubMed 9536098 (cited by Labcorp Genetics (formerly Invitae), Labcorp).

NM_001953.5(TYMP):c.1159+5G>A

Genes: SCO2 (synthesis of cytochrome C oxidase 2; minus strand), TYMP (thymidine phosphorylase; minus strand), LOC130067862 (ATAC-STARR-seq lymphoblastoid silent region 13986; plus strand). Cytogenetic location: 22q13.33.
Variant type: single nucleotide variant.
Coding change: c.1159+5G>A on transcript NM_001953.5 (MANE Select); 5 bases into the intron after coding-DNA position 1159, G replaced by A.
Molecular consequence: intron variant.
Genome position (GRCh38, 1-based): chr22:50,526,241, C>T on the plus strand (G>A on the coding strand, the complement: TYMP is on the minus strand). VCF-style: chr22-50526241-C-T. GRCh37 (hg19) VCF-style: chr22-50964670-C-T.
Other names: c.-14+5G>A (NM_001169109.2); c.1159+5G>A (NM_001257989.1, NM_001257988.1, NM_001113755.3 and 1 more transcripts).
Identifiers: ClinVar variation 215344 (VCV000215344.10), dbSNP rs748559929, ClinGen allele CA320720.